The following is an entry in ClinVar:

ClinVar aggregate classification (germline): Likely pathogenic. Review status: criteria provided, single submitter (1 of 4 stars). 2 submissions from 2 submitters: Likely pathogenic (1). 1 of the submissions does not count toward it. Last evaluated 2025-04-10.

Conditions:
Child syndrome. Also called: CHILD (Congenital Hemidysplasia with Ichthyosiform Nevus and Limb Defects) Syndrome. Identifiers: Orphanet 139, MedGen C0265267, MONDO:0010621, OMIM 308050.

Submissions (2):

GeneDx
Classification: Likely pathogenic. Last evaluated: 2025-04-10. Review status: criteria provided, single submitter. Criteria: GeneDx Variant Classification Process June 2021. Collection method: clinical testing. Allele origin: germline. Affected: yes.
Comment: Not observed at significant frequency in large population cohorts (gnomAD); In silico analysis supports that this missense variant has a deleterious effect on protein structure/function; This variant is associated with the following publications: (PMID: 28454995)

Biochemical Molecular Genetic Laboratory, King Abdulaziz Medical City
Classification: Likely pathogenic for Child syndrome. Last evaluated: 2019-09-26. Review status: no assertion criteria provided. Collection method: clinical testing. Allele origin: germline. Affected: yes. Not counted in ClinVar's aggregate classification.

NM_015922.3(NSDHL):c.317C>T (p.Ser106Leu)

Gene: NSDHL (NAD(P) dependent 3-beta-hydroxysteroid dehydrogenase NSDHL; plus strand). Cytogenetic location: Xq28.
Variant type: single nucleotide variant.
Coding change: c.317C>T on transcript NM_015922.3 (MANE Select); coding-DNA position 317, C replaced by T.
Protein change: p.Ser106Leu; replaces serine 106 with leucine.
Molecular consequence: missense variant.
Genome position (GRCh38, 1-based): chrX:152,858,819, C>T. VCF-style: chrX-152858819-C-T. GRCh37 (hg19) VCF-style: chrX-152027363-C-T.
Other names: c.317C>T, p.Ser106Leu (NM_001129765.2); c.317C>T (NM_015922.2); short protein forms S106L.
Identifiers: ClinVar variation 800901 (VCV000800901.2), dbSNP rs1602937895, ClinGen allele CA415284818.